The following is an entry in ClinVar:

NM_000245.4(MET):c.753T>C (p.His251=)

Gene: MET (MET proto-oncogene, receptor tyrosine kinase; plus strand). Cytogenetic location: 7q31.2.
Variant type: single nucleotide variant.
Coding change: c.753T>C on transcript NM_000245.4 (MANE Select); coding-DNA position 753, T replaced by C.
Protein change: p.His251=; no amino-acid change (histidine 251 retained).
Molecular consequence: synonymous variant. On other transcripts: intron variant (1).
Genome position (GRCh38, 1-based): chr7:116,699,837, T>C. VCF-style: chr7-116699837-T-C. GRCh37 (hg19) VCF-style: chr7-116339891-T-C.
Other names: c.753T>C (NM_001127500.1); c.753T>C, p.His251= (NM_001127500.3, NM_001324401.3); c.-91+27260T>C (NM_001324402.2).
Identifiers: ClinVar variation 1138467 (VCV001138467.11), dbSNP rs1392829448, ClinGen allele CA457447877.

ClinVar aggregate classification (germline): Benign/Likely benign. Review status: criteria provided, multiple submitters, no conflicts (2 of 4 stars). 3 submissions from 3 submitters: Benign (1); Likely benign (2). Last evaluated 2025-01-24.

Conditions:
Papillary renal cell carcinoma type 1 (RCCP1). Also called: Renal adenocarcinoma; Renal cell carcinoma 1; Renal cell carcinoma, somatic; RENAL CELL CARCINOMA, PAPILLARY, 1, SOMATIC. Identifiers: Orphanet 47044, MedGen C1336839, OMIM 605074, HP:0011797.
Renal cell carcinoma. Identifiers: Orphanet 217071, MedGen C0007134, MeSH D002292, MONDO:0005086, HP:0005584.
Hereditary cancer-predisposing syndrome. Also called: Hereditary neoplastic syndrome; Hereditary Cancer Syndrome; Tumor predisposition; Neoplastic Syndromes, Hereditary. Identifiers: Orphanet 140162, MedGen C0027672, MeSH D009386, MONDO:0015356.

Allele frequency attached by ClinVar (database versions not stated): TOPMed below 0.00001; gnomAD 0.00001.
gnomAD v4.1: 2 of 1,614,004 alleles (0.00012%); highest among the groups gnomAD compares: Admixed American, 0.0017%; no homozygotes.

Submissions (3):

Ambry Genetics
Classification: Likely benign for Hereditary cancer-predisposing syndrome. Last evaluated: 2025-01-24. Review status: criteria provided, single submitter. Criteria: Ambry Variant Classification Scheme 2023. Collection method: clinical testing. Allele origin: germline.

Myriad Genetics, Inc.
Classification: Benign for Papillary renal cell carcinoma type 1. Last evaluated: 2024-11-06. Review status: criteria provided, single submitter. Criteria: Myriad Autosomal Dominant, Autosomal Recessive and X-Linked Classification Criteria (2023). Collection method: clinical testing. Allele origin: unknown.
Comment: This variant is considered benign. This variant is a silent/synonymous amino acid change and it is not expected to impact splicing.

Labcorp Genetics (formerly Invitae), Labcorp
Classification: Likely benign for Renal cell carcinoma. Last evaluated: 2020-04-17. Review status: criteria provided, single submitter. Criteria: Invitae Variant Classification Sherloc (09022015). Collection method: clinical testing. Allele origin: germline.